The following is an entry in ClinVar:

ClinVar aggregate classification (germline): Uncertain significance (1 of 4 stars; one submission).

Conditions:
Inborn genetic diseases. Identifiers: MedGen C0950123, MeSH D030342.

Submission:

Ambry Genetics
Classification: Uncertain significance for Inborn genetic diseases. Last evaluated: 2025-01-01. Review status: criteria provided, single submitter. Criteria: Ambry Variant Classification Scheme 2023. Collection method: clinical testing. Allele origin: germline.
Comment: The p.M317T variant (also known as c.950T>C), located in coding exon 4 of the SH2B3 gene, results from a T to C substitution at nucleotide position 950. The methionine at codon 317 is replaced by threonine, an amino acid with similar properties. This amino acid position is conserved. In addition, this alteration is predicted to be tolerated by in silico analysis. Based on the available evidence, the clinical significance of this variant remains unclear.

NM_005475.3(SH2B3):c.950T>C (p.Met317Thr)

Gene: SH2B3 (SH2B adaptor protein 3; plus strand). Cytogenetic location: 12q24.12.
Variant type: single nucleotide variant.
Coding change: c.950T>C on transcript NM_005475.3 (MANE Select); coding-DNA position 950, T replaced by C.
Protein change: p.Met317Thr; replaces methionine 317 with threonine.
Molecular consequence: missense variant.
Genome position (GRCh38, 1-based): chr12:111,447,148, T>C. VCF-style: chr12-111447148-T-C. GRCh37 (hg19) VCF-style: chr12-111884952-T-C.
Other names: c.344T>C, p.Met115Thr (NM_001291424.1); short protein forms M317T, M115T.
Identifiers: ClinVar variation 3795060 (VCV003795060.1).